The following is an entry in ClinVar:

NM_001365536.1(SCN9A):c.715A>G (p.Ile239Val)

Gene: SCN9A (sodium voltage-gated channel alpha subunit 9; minus strand). Cytogenetic location: 2q24.3.
Variant type: single nucleotide variant.
Coding change: c.715A>G on transcript NM_001365536.1 (MANE Select); coding-DNA position 715, A replaced by G.
Protein change: p.Ile239Val; replaces isoleucine 239 with valine.
Molecular consequence: missense variant.
Genome position (GRCh38, 1-based): chr2:166,303,276, T>C on the plus strand (A>G on the coding strand, the complement: SCN9A is on the minus strand). VCF-style: chr2-166303276-T-C. GRCh37 (hg19) VCF-style: chr2-167159786-T-C.
Other names: c.715A>G, p.Ile239Val (NM_002977.4); short protein forms I239V.
Identifiers: ClinVar variation 1009477 (VCV001009477.8), dbSNP rs1574901456, ClinGen allele CA349093184.

ClinVar aggregate classification (germline): Uncertain significance. Review status: criteria provided, multiple submitters, no conflicts (2 of 4 stars). 2 submissions from 2 submitters: Uncertain significance (2). Last evaluated 2024-05-21.

Conditions:
Neuropathy, hereditary sensory and autonomic, type 2A (HSAN2A). Also called: WNK1-Related HSAN2 (HSAN2A); ACROOSTEOLYSIS, GIACCAI TYPE; ACROOSTEOLYSIS, NEUROGENIC; MORVAN DISEASE; NEUROPATHY, CONGENITAL SENSORY; NEUROPATHY, HEREDITARY SENSORY RADICULAR, AUTOSOMAL RECESSIVE. Identifiers: Orphanet 970, MedGen C2752089, MONDO:0024309, OMIM 201300.
Generalized epilepsy with febrile seizures plus, type 7 (GEFSP7). Also called: GEFS+, TYPE 7. Identifiers: Orphanet 36387, MedGen C2751778, MONDO:0013470, OMIM 613863.
Inborn genetic diseases. Identifiers: MedGen C0950123, MeSH D030342.

Allele frequency attached by ClinVar (database versions not stated): gnomAD exomes below 0.00001.
gnomAD v4.1: 2 of 1,613,480 alleles (0.00012%); highest among the groups gnomAD compares: African/African-American, 0.0027%; no homozygotes.

Submissions (2):

Labcorp Genetics (formerly Invitae), Labcorp
Classification: Uncertain significance for Neuropathy, hereditary sensory and autonomic, type 2A; Generalized epilepsy with febrile seizures plus, type 7. Last evaluated: 2024-05-21. Review status: criteria provided, single submitter. Criteria: Invitae Variant Classification Sherloc (09022015). Collection method: clinical testing. Allele origin: germline.
Comment: This sequence change replaces isoleucine, which is neutral and non-polar, with valine, which is neutral and non-polar, at codon 239 of the SCN9A protein (p.Ile239Val). This variant is not present in population databases (gnomAD no frequency). This variant has not been reported in the literature in individuals affected with SCN9A-related conditions. ClinVar contains an entry for this variant (Variation ID: 1009477). Advanced modeling of protein sequence and biophysical properties (such as structural, functional, and spatial information, amino acid conservation, physicochemical variation, residue mobility, and thermodynamic stability) has been performed at Invitae for this missense variant, however the output from this modeling did not meet the statistical confidence thresholds required to predict the impact of this variant on SCN9A protein function. In summary, the available evidence is currently insufficient to determine the role of this variant in disease. Therefore, it has been classified as a Variant of Uncertain Significance.

Ambry Genetics
Classification: Uncertain significance for Inborn genetic diseases. Last evaluated: 2021-09-01. Review status: criteria provided, single submitter. Criteria: Ambry Variant Classification Scheme 2023. Collection method: clinical testing. Allele origin: germline.